The following is an entry in ClinVar:

ClinVar aggregate classification (germline): Conflicting classifications of pathogenicity. Review status: criteria provided, conflicting classifications (1 of 4 stars). 2 submissions from 2 submitters: Uncertain significance (1); Likely benign (1). Last evaluated 2024-12-13.

Conditions:
Primary ciliary dyskinesia. Also called: Ciliary dyskinesia. Identifiers: Orphanet 244, MedGen C0008780, MONDO:0016575, HP:0012265.

Allele frequency attached by ClinVar (database versions not stated): TOPMed 0.00005; gnomAD 0.00009; 1000 Genomes Project 30x 0.00031.
gnomAD v4.1: 289 of 1,347,788 alleles (0.021%); highest among the groups gnomAD compares: Non-Finnish European, 0.027%; no homozygotes.

Submissions (2):

Labcorp Genetics (formerly Invitae), Labcorp
Classification: Uncertain significance for Primary ciliary dyskinesia. Last evaluated: 2024-12-13. Review status: criteria provided, single submitter. Criteria: Invitae Variant Classification Sherloc (09022015). Collection method: clinical testing. Allele origin: germline.
Comment: This sequence change replaces leucine, which is neutral and non-polar, with valine, which is neutral and non-polar, at codon 168 of the DNAAF5 protein (p.Leu168Val). This variant is present in population databases (no rsID available, gnomAD 0.01%). This variant has not been reported in the literature in individuals affected with DNAAF5-related conditions. ClinVar contains an entry for this variant (Variation ID: 567179). Invitae Evidence Modeling of protein sequence and biophysical properties (such as structural, functional, and spatial information, amino acid conservation, physicochemical variation, residue mobility, and thermodynamic stability) indicates that this missense variant is not expected to disrupt DNAAF5 protein function with a negative predictive value of 80%. In summary, the available evidence is currently insufficient to determine the role of this variant in disease. Therefore, it has been classified as a Variant of Uncertain Significance.

Ambry Genetics
Classification: Likely benign for Primary ciliary dyskinesia. Last evaluated: 2024-06-07. Review status: criteria provided, single submitter. Criteria: Ambry Variant Classification Scheme 2023. Collection method: clinical testing. Allele origin: germline.

NM_017802.4(DNAAF5):c.502C>G (p.Leu168Val)

Genes: PRKAR1B (protein kinase cAMP-dependent type I regulatory subunit beta; minus strand), DNAAF5 (dynein axonemal assembly factor 5; plus strand), LOC129997731 (ATAC-STARR-seq lymphoblastoid silent region 17817; plus strand). Cytogenetic location: 7p22.3.
Variant type: single nucleotide variant.
Coding change: c.502C>G on transcript NM_017802.4 (MANE Select); coding-DNA position 502, C replaced by G.
Protein change: p.Leu168Val; replaces leucine 168 with valine.
Molecular consequence: missense variant. On other transcripts: non-coding transcript variant (1), 5 prime UTR variant (1), intron variant (2).
Genome position (GRCh38, 1-based): chr7:727,222, C>G. VCF-style: chr7-727222-C-G. GRCh37 (hg19) VCF-style: chr7-766859-C-G.
Other names: c.-35G>C (NM_001164760.2); c.-23+433G>C (NM_001164759.1); c.-23+368G>C (NM_001164758.2); short protein forms L168V.
Identifiers: ClinVar variation 567179 (VCV000567179.10), dbSNP rs900496106, ClinGen allele CA366530879.